The following is an entry in ClinVar:

NM_001330588.2(TPP2):c.3466_3467del (p.Gly1156fs)

Gene: TPP2 (tripeptidyl peptidase 2; plus strand). Cytogenetic location: 13q33.1.
Variant type: Deletion.
Coding change: c.3466_3467del on transcript NM_001330588.2 (MANE Select); coding-DNA positions 3466 to 3467, 2 bases deleted (GG; older notation c.3466_3467delGG).
Protein change: p.Gly1156fs; shifts the reading frame from glycine 1156.
Molecular consequence: frameshift variant. On other transcripts: non-coding transcript variant (1).
Genome position (GRCh38, 1-based): chr13:102,674,377-102,674,378, GG deleted. VCF-style (leftmost placement, unchanged base first): chr13-102674376-CGG-C. GRCh37 (hg19) VCF-style: chr13-103326726-CGG-C.
Other names: c.3553_3554del, p.Gly1185fs (NM_001367947.1); c.3427_3428del, p.Gly1143fs (NM_003291.4); short protein forms G1143fs, G1156fs, G1185fs.
Identifiers: ClinVar variation 2413358 (VCV002413358.6), dbSNP rs1397378666, ClinGen allele CA612359548.

ClinVar aggregate classification (germline): Pathogenic (1 of 4 stars; one submission).

Conditions:
Evans syndrome, immunodeficiency, and premature immunosenescence associated with tripeptidyl-peptidase II deficiency. Identifiers: MedGen CN231723. Disease mechanism: loss of function.

Allele frequency attached by ClinVar (database versions not stated): gnomAD exomes below 0.00001; TOPMed below 0.00001; gnomAD 0.00001.

Submission:

Labcorp Genetics (formerly Invitae), Labcorp
Classification: Pathogenic for Evans syndrome, immunodeficiency, and premature immunosenescence associated with tripeptidyl-peptidase II deficiency. Last evaluated: 2025-03-31. Review status: criteria provided, single submitter. Criteria: Invitae Variant Classification Sherloc (09022015). Collection method: clinical testing. Allele origin: germline.
Comment: This sequence change creates a premature translational stop signal (p.Gly1143Serfs*5) in the TPP2 gene. It is expected to result in an absent or disrupted protein product. Loss-of-function variants in TPP2 are known to be pathogenic (PMID: 25414442). This variant is present in population databases (no rsID available, gnomAD 0.0009%). This variant has not been reported in the literature in individuals affected with TPP2-related conditions. ClinVar contains an entry for this variant (Variation ID: 2413358). For these reasons, this variant has been classified as Pathogenic.

Literature cited by the submitters: PubMed 25414442.